The following is an entry in ClinVar:

ClinVar aggregate classification (germline): Likely benign. Review status: criteria provided, multiple submitters, no conflicts (2 of 4 stars). 3 submissions from 3 submitters: Likely benign (3). Last evaluated 2025-09-03.

Conditions:
Cardiovascular phenotype. Identifiers: MedGen CN230736.
Duchenne muscular dystrophy (DMD). Also called: Duchenne Muscular Dystrophy (DMD); MUSCULAR DYSTROPHY, PSEUDOHYPERTROPHIC PROGRESSIVE, DUCHENNE TYPE. Identifiers: Orphanet 98896, MedGen C0013264, MONDO:0010679, OMIM 310200.

Allele frequency attached by ClinVar (database versions not stated): gnomAD exomes below 0.00001 and 0.00001; ExAC 0.00001; TOPMed 0.00005; gnomAD 0.00006.
gnomAD v4.1: 8 of 1,189,844 alleles (0.00067%); highest among the groups gnomAD compares: African/African-American, 0.014%; no homozygotes.

Submissions (3):

Labcorp Genetics (formerly Invitae), Labcorp
Classification: Likely benign for Duchenne muscular dystrophy. Last evaluated: 2025-09-03. Review status: criteria provided, single submitter. Criteria: Invitae Variant Classification Sherloc (09022015). Collection method: clinical testing. Allele origin: germline.

Ambry Genetics
Classification: Likely benign for Cardiovascular phenotype. Last evaluated: 2020-07-17. Review status: criteria provided, single submitter. Criteria: Ambry Variant Classification Scheme 2023. Collection method: clinical testing. Allele origin: germline.

GeneDx
Classification: Likely benign. Last evaluated: 2017-06-02. Review status: criteria provided, single submitter. Criteria: GeneDx Variant Classification (06012015). Collection method: clinical testing. Allele origin: germline. Affected: yes.
Comment: This variant is considered likely benign or benign based on one or more of the following criteria: it is a conservative change, it occurs at a poorly conserved position in the protein, it is predicted to be benign by multiple in silico algorithms, and/or has population frequency not consistent with disease.

NM_004006.3(DMD):c.7024C>T (p.Leu2342=)

Gene: DMD (dystrophin; minus strand). Cytogenetic location: Xp21.1.
Variant type: single nucleotide variant.
Coding change: c.7024C>T on transcript NM_004006.3 (MANE Select); coding-DNA position 7024, C replaced by T.
Protein change: p.Leu2342=; no amino-acid change (leucine 2342 retained).
Molecular consequence: synonymous variant. On other transcripts: 5 prime UTR variant (5).
Genome position (GRCh38, 1-based): chrX:31,875,262, G>A on the plus strand (C>T on the coding strand, the complement: DMD is on the minus strand). VCF-style: chrX-31875262-G-A. GRCh37 (hg19) VCF-style: chrX-31893379-G-A.
Other names: c.7000C>T, p.Leu2334= (NM_000109.4); c.7012C>T, p.Leu2338= (NM_004009.3); c.6655C>T, p.Leu2219= (NM_004010.3); c.3001C>T, p.Leu1001= (NM_004011.4); c.2992C>T, p.Leu998= (NM_004012.4); c.-357C>T (NM_004013.3, NM_004020.4, NM_004021.3 and 2 more transcripts).
Identifiers: ClinVar variation 517859 (VCV000517859.12), dbSNP rs749996618, ClinGen allele CA10378359.
Genomic context (GRCh38, chrX:31,875,262, plus strand): 5'-GTCCTTCTTGGTTTGGTTGGTTATAAATTTCCAACTGATTCCTAATAGGAGATAACCACA[G>A]CAGCAGATGATTTAACTGCTCTTCAAGGTCTTCAAGCTTTTTTTCAAGCTGCCCAAGGTC-3'
Protein context (NP_003997.2, residues 2332-2352): DLEEQLNHLL[Leu2342=]WLSPIRNQLE